The following is an entry in ClinVar:

ClinVar aggregate classification (germline): Uncertain significance (1 of 4 stars; one submission).

Allele frequency attached by ClinVar (database versions not stated): gnomAD exomes below 0.00001; TOPMed 0.00001.
gnomAD v4.1: 1 of 1,611,086 alleles (0.000062%); highest among the groups gnomAD compares: Admixed American, 0.0017%; no homozygotes.

Submission:

Labcorp Genetics (formerly Invitae), Labcorp
Classification: Uncertain significance. Last evaluated: 2022-07-05. Review status: criteria provided, single submitter. Criteria: Invitae Variant Classification Sherloc (09022015). Collection method: clinical testing. Allele origin: germline.
Comment: Algorithms developed to predict the effect of missense changes on protein structure and function (SIFT, PolyPhen-2, Align-GVGD) all suggest that this variant is likely to be disruptive. This sequence change replaces proline, which is neutral and non-polar, with serine, which is neutral and polar, at codon 466 of the ITGA8 protein (p.Pro466Ser). This variant is not present in population databases (gnomAD no frequency). This variant has not been reported in the literature in individuals affected with ITGA8-related conditions. In summary, the available evidence is currently insufficient to determine the role of this variant in disease. Therefore, it has been classified as a Variant of Uncertain Significance.

NM_003638.3(ITGA8):c.1396C>T (p.Pro466Ser)

Gene: ITGA8 (integrin subunit alpha 8; minus strand). Cytogenetic location: 10p13.
Variant type: single nucleotide variant.
Coding change: c.1396C>T on transcript NM_003638.3 (MANE Select); coding-DNA position 1396, C replaced by T.
Protein change: p.Pro466Ser; replaces proline 466 with serine.
Molecular consequence: missense variant.
Genome position (GRCh38, 1-based): chr10:15,644,033, G>A on the plus strand (C>T on the coding strand, the complement: ITGA8 is on the minus strand). VCF-style: chr10-15644033-G-A. GRCh37 (hg19) VCF-style: chr10-15686032-G-A.
Other names: c.1351C>T, p.Pro451Ser (NM_001291494.2); short protein forms P466S, P451S.
Identifiers: ClinVar variation 1940740 (VCV001940740.4), dbSNP rs1833918554, ClinGen allele CA376100044.